The following is an entry in ClinVar:

NM_001366385.1(CARD14):c.2928C>A (p.Ser976Arg)

Genes: CARD14 (caspase recruitment domain family member 14; plus strand), SGSH (N-sulfoglucosamine sulfohydrolase; minus strand). Cytogenetic location: 17q25.3.
Variant type: single nucleotide variant.
Coding change: c.2928C>A on transcript NM_001366385.1 (MANE Select); coding-DNA position 2928, C replaced by A.
Protein change: p.Ser976Arg; replaces serine 976 with arginine.
Molecular consequence: missense variant. On other transcripts: non-coding transcript variant (1).
Genome position (GRCh38, 1-based): chr17:80,208,258, C>A. VCF-style: chr17-80208258-C-A. GRCh37 (hg19) VCF-style: chr17-78182057-C-A.
Other names: c.2928C>A, p.Ser976Arg (NM_024110.4); short protein forms S976R.
Identifiers: ClinVar variation 1492106 (VCV001492106.8), dbSNP rs755632854, ClinGen allele CA401357644.

ClinVar aggregate classification (germline): Uncertain significance (1 of 4 stars; one submission).

Conditions:
Psoriasis 2. Identifiers: MedGen C1864497, MONDO:0011269, OMIM 602723.
Pityriasis rubra pilaris (PRP). Also called: Pityriasis rubra pilaris--familial type. Identifiers: Orphanet 2897, MedGen C0032027, MONDO:0100017, OMIM 173200, MONDO:0008251.

gnomAD v4.1: 13 of 1,587,986 alleles (0.00082%); highest among the groups gnomAD compares: Non-Finnish European, 0.001%; no homozygotes.

Submission:

Labcorp Genetics (formerly Invitae), Labcorp
Classification: Uncertain significance for Pityriasis rubra pilaris; Psoriasis 2. Last evaluated: 2025-06-10. Review status: criteria provided, single submitter. Criteria: Invitae Variant Classification Sherloc (09022015). Collection method: clinical testing. Allele origin: germline.
Comment: This sequence change replaces serine, which is neutral and polar, with arginine, which is basic and polar, at codon 976 of the CARD14 protein (p.Ser976Arg). The frequency data for this variant in the population databases is considered unreliable, as metrics indicate poor data quality at this position in the gnomAD database. This variant has not been reported in the literature in individuals affected with CARD14-related conditions. ClinVar contains an entry for this variant (Variation ID: 1492106). Invitae Evidence Modeling of protein sequence and biophysical properties (such as structural, functional, and spatial information, amino acid conservation, physicochemical variation, residue mobility, and thermodynamic stability) indicates that this missense variant is not expected to disrupt CARD14 protein function with a negative predictive value of 95%. In summary, the available evidence is currently insufficient to determine the role of this variant in disease. Therefore, it has been classified as a Variant of Uncertain Significance.